The following is an entry in ClinVar:

ClinVar aggregate classification (germline): Conflicting classifications of pathogenicity. Review status: criteria provided, conflicting classifications (1 of 4 stars). 5 submissions from 5 submitters: Uncertain significance (1); Likely benign (4). Last evaluated 2025-12-18.

Conditions:
Inborn genetic diseases. Identifiers: MedGen C0950123, MeSH D030342.
Spastic paraplegia. Identifiers: MedGen C0037772, HP:0001258.

Allele frequency attached by ClinVar (database versions not stated): ExAC 0.00001; gnomAD exomes 0.00001; gnomAD 0.00008 and 0.00011; TOPMed 0.00009; ESP Exome Variant Server 0.00028.

Submissions (5):

Labcorp Genetics (formerly Invitae), Labcorp
Classification: Likely benign for Spastic paraplegia. Last evaluated: 2025-12-18. Review status: criteria provided, single submitter. Criteria: Invitae Variant Classification Sherloc (09022015). Collection method: clinical testing. Allele origin: germline.

Mayo Clinic Laboratories, Mayo Clinic
Classification: Likely benign. Last evaluated: 2025-01-24. Review status: criteria provided, single submitter. Criteria: ACMG Guidelines, 2015. Collection method: clinical testing. Allele origin: germline. Observed: 1 variant allele.
Comment: BP4, BP7

Women's Health and Genetics/Laboratory Corporation of America, LabCorp
Classification: Likely benign. Last evaluated: 2024-10-15. Review status: criteria provided, single submitter. Criteria: LabCorp Variant Classification Summary - May 2015. Collection method: clinical testing. Allele origin: germline.

Genetic Services Laboratory, University of Chicago
Classification: Uncertain significance. Last evaluated: 2015-01-21. Review status: criteria provided, single submitter. Criteria: ACMG Guidelines, 2015. Collection method: clinical testing. Allele origin: germline.

Ambry Genetics
Classification: Likely benign for Inborn genetic diseases. Last evaluated: 2014-07-25. Review status: criteria provided, single submitter. Criteria: Ambry Variant Classification Scheme 2023. Collection method: clinical testing. Allele origin: germline.

NM_004187.5(KDM5C):c.4611G>A (p.Ser1537=)

Gene: KDM5C (lysine demethylase 5C; minus strand). Cytogenetic location: Xp11.22.
Variant type: single nucleotide variant.
Coding change: c.4611G>A on transcript NM_004187.5 (MANE Select); coding-DNA position 4611, G replaced by A.
Protein change: p.Ser1537=; no amino-acid change (serine 1537 retained).
Molecular consequence: synonymous variant. On other transcripts: intron variant (5).
Genome position (GRCh38, 1-based): chrX:53,193,039, C>T on the plus strand (G>A on the coding strand, the complement: KDM5C is on the minus strand). VCF-style: chrX-53193039-C-T. GRCh37 (hg19) VCF-style: chrX-53222221-C-T.
Other names: p.Ser1537=; c.4608G>A, p.Ser1536= (NM_001282622.3); c.4602G>A, p.Ser1534= (NM_001353978.3); c.4305+398G>A (NM_001353982.2); c.4314+398G>A (NM_001353979.2); c.4308+398G>A (NM_001353981.2, NM_001353984.2); c.4047-202G>A (NM_001146702.2); c.4611G>A (NM_004187.4).
Identifiers: ClinVar variation 211251 (VCV000211251.14), dbSNP rs149733911, ClinGen allele CA206014.